The following is an entry in ClinVar:

NM_024734.4(CLMN):c.939C>G (p.Arg313=)

Gene: CLMN (calmin; minus strand). Cytogenetic location: 14q32.13.
Variant type: single nucleotide variant.
Coding change: c.939C>G on transcript NM_024734.4 (MANE Select); coding-DNA position 939, C replaced by G.
Protein change: p.Arg313=; no amino-acid change (arginine 313 retained).
Molecular consequence: synonymous variant.
Genome position (GRCh38, 1-based): chr14:95,204,410, G>C on the plus strand (C>G on the coding strand, the complement: CLMN is on the minus strand). VCF-style: chr14-95204410-G-C. GRCh37 (hg19) VCF-style: chr14-95670747-G-C.
Identifiers: ClinVar variation 3038378 (VCV003038378.2), dbSNP rs116066710, ClinGen allele CA7332254.

ClinVar aggregate classification (germline): Likely benign (0 of 4 stars; one submission).

Conditions:
CLMN-related disorder. Also called: CLMN-related condition.

Allele frequency attached by ClinVar (database versions not stated): gnomAD exomes 0.00005; ExAC 0.00014; gnomAD 0.00056; 1000 Genomes Project 0.00060; 1000 Genomes Project 30x 0.00062; TOPMed 0.00068; ESP Exome Variant Server 0.00077.
gnomAD v4.1: 153 of 1,612,168 alleles (0.0095%); highest among the groups gnomAD compares: African/African-American, 0.19%; no homozygotes.

Submission:

PreventionGenetics, part of Exact Sciences
Classification: Likely benign for CLMN-related condition. Last evaluated: 2020-01-06. Review status: no assertion criteria provided. Collection method: clinical testing. Allele origin: germline.
Comment: This variant is classified as likely benign based on ACMG/AMP sequence variant interpretation guidelines (Richards et al. 2015 PMID: 25741868, with internal and published modifications).